The following is an entry in ClinVar:

NM_020717.5(SHROOM4):c.3504C>T (p.Thr1168=)

Gene: SHROOM4 (shroom family member 4; minus strand). Cytogenetic location: Xp11.22.
Variant type: single nucleotide variant.
Coding change: c.3504C>T on transcript NM_020717.5 (MANE Select); coding-DNA position 3504, C replaced by T.
Protein change: p.Thr1168=; no amino-acid change (threonine 1168 retained).
Molecular consequence: synonymous variant. On other transcripts: non-coding transcript variant (4).
Genome position (GRCh38, 1-based): chrX:50,607,638, G>A on the plus strand (C>T on the coding strand, the complement: SHROOM4 is on the minus strand). VCF-style: chrX-50607638-G-A. GRCh37 (hg19) VCF-style: chrX-50350638-G-A.
Identifiers: ClinVar variation 590241 (VCV000590241.31), dbSNP rs141453548, ClinGen allele CA10415942.

ClinVar aggregate classification (germline): Likely benign. Review status: criteria provided, multiple submitters, no conflicts (2 of 4 stars). 4 submissions from 4 submitters: Likely benign (4). Last evaluated 2024-05-01.

Conditions:
History of neurodevelopmental disorder. Identifiers: MedGen C2711754.

Allele frequency attached by ClinVar (database versions not stated): gnomAD 0.00055 and 0.00056; TOPMed 0.00060; ESP Exome Variant Server 0.00095.
gnomAD v4.1: 1,149 of 1,207,963 alleles (0.095%); highest among the groups gnomAD compares: Non-Finnish European, 0.12%; no homozygotes.

Submissions (4):

CeGaT Center for Human Genetics Tuebingen
Classification: Likely benign. Last evaluated: 2024-05-01. Review status: criteria provided, single submitter. Criteria: CeGaT Center For Human Genetics Tuebingen Variant Classification Criteria Version 2. Collection method: clinical testing. Allele origin: germline. Affected: yes. Observed: 2 variant alleles.
Comment: SHROOM4: BP4, BP7, BS2

Labcorp Genetics (formerly Invitae), Labcorp
Classification: Likely benign. Last evaluated: 2017-07-18. Review status: criteria provided, single submitter. Criteria: Invitae Variant Classification Sherloc (09022015). Collection method: clinical testing. Allele origin: germline.

Ambry Genetics
Classification: Likely benign for History of neurodevelopmental disorder. Last evaluated: 2012-12-14. Review status: criteria provided, single submitter. Criteria: Ambry Autosomal Dominant and X-Linked criteria (10/2015). Collection method: clinical testing. Allele origin: germline. Observed: 1 variant allele.

Breakthrough Genomics
Classification: Likely benign. Review status: criteria provided, single submitter. Criteria: ACMG Guidelines, 2015. Collection method: not provided. Allele origin: germline. Inheritance: Unknown mechanism. Affected: yes.